The following is an entry in ClinVar:

NM_001004334.4(GPR179):c.3800G>C (p.Trp1267Ser)

Gene: GPR179 (G protein-coupled receptor 179; minus strand). Cytogenetic location: 17q12.
Variant type: single nucleotide variant.
Coding change: c.3800G>C on transcript NM_001004334.4 (MANE Select); coding-DNA position 3800, G replaced by C.
Protein change: p.Trp1267Ser; replaces tryptophan 1267 with serine.
Molecular consequence: missense variant.
Genome position (GRCh38, 1-based): chr17:38,329,769, C>G on the plus strand (G>C on the coding strand, the complement: GPR179 is on the minus strand). VCF-style: chr17-38329769-C-G. GRCh37 (hg19) VCF-style: chr17-36485652-C-G.
Other names: short protein forms W1267S.
Identifiers: ClinVar variation 2107130 (VCV002107130.4), dbSNP rs1597663466, ClinGen allele CA398878498.

ClinVar aggregate classification (germline): Uncertain significance (1 of 4 stars; one submission).

Allele frequency attached by ClinVar (database versions not stated): gnomAD exomes below 0.00001.

Submission:

Labcorp Genetics (formerly Invitae), Labcorp
Classification: Uncertain significance. Last evaluated: 2022-03-05. Review status: criteria provided, single submitter. Criteria: Invitae Variant Classification Sherloc (09022015). Collection method: clinical testing. Allele origin: germline.
Comment: This sequence change replaces tryptophan, which is neutral and slightly polar, with serine, which is neutral and polar, at codon 1267 of the GPR179 protein (p.Trp1267Ser). This variant is not present in population databases (gnomAD no frequency). This variant has not been reported in the literature in individuals affected with GPR179-related conditions. Algorithms developed to predict the effect of missense changes on protein structure and function are either unavailable or do not agree on the potential impact of this missense change (SIFT: "Deleterious"; PolyPhen-2: "Possibly Damaging"; Align-GVGD: "Class C0"). In summary, the available evidence is currently insufficient to determine the role of this variant in disease. Therefore, it has been classified as a Variant of Uncertain Significance.